The following is an entry in ClinVar:

ClinVar aggregate classification (germline): Uncertain significance (1 of 4 stars; one submission).

Allele frequency attached by ClinVar (database versions not stated): gnomAD exomes 0.00001.

Submission:

Labcorp Genetics (formerly Invitae), Labcorp
Classification: Uncertain significance. Last evaluated: 2022-07-12. Review status: criteria provided, single submitter. Criteria: Invitae Variant Classification Sherloc (09022015). Collection method: clinical testing. Allele origin: germline.
Comment: This sequence change replaces alanine, which is neutral and non-polar, with serine, which is neutral and polar, at codon 176 of the TBX15 protein (p.Ala176Ser). This variant is present in population databases (no rsID available, gnomAD 0.0009%). This variant has not been reported in the literature in individuals affected with TBX15-related conditions. Algorithms developed to predict the effect of missense changes on protein structure and function (SIFT, PolyPhen-2, Align-GVGD) all suggest that this variant is likely to be disruptive. In summary, the available evidence is currently insufficient to determine the role of this variant in disease. Therefore, it has been classified as a Variant of Uncertain Significance.

NM_001330677.2(TBX15):c.844G>T (p.Ala282Ser)

Gene: TBX15 (T-box transcription factor 15; minus strand). Cytogenetic location: 1p12.
Variant type: single nucleotide variant.
Coding change: c.844G>T on transcript NM_001330677.2 (MANE Select); coding-DNA position 844, G replaced by T.
Protein change: p.Ala282Ser; replaces alanine 282 with serine.
Molecular consequence: missense variant.
Genome position (GRCh38, 1-based): chr1:118,923,453, C>A on the plus strand (G>T on the coding strand, the complement: TBX15 is on the minus strand). VCF-style: chr1-118923453-C-A. GRCh37 (hg19) VCF-style: chr1-119466076-C-A.
Other names: c.526G>T, p.Ala176Ser (NM_152380.3); short protein forms A176S, A282S.
Identifiers: ClinVar variation 1969404 (VCV001969404.5), dbSNP rs1417202782, ClinGen allele CA341434087.